The following is an entry in ClinVar:

NM_145868.2(ANXA11):c.817C>T (p.Pro273Ser)

Gene: ANXA11 (annexin A11; minus strand). Cytogenetic location: 10q22.3.
Variant type: single nucleotide variant.
Coding change: c.817C>T on transcript NM_145868.2 (MANE Select); coding-DNA position 817, C replaced by T.
Protein change: p.Pro273Ser; replaces proline 273 with serine.
Molecular consequence: missense variant.
Genome position (GRCh38, 1-based): chr10:80,166,125, G>A on the plus strand (C>T on the coding strand, the complement: ANXA11 is on the minus strand). VCF-style: chr10-80166125-G-A. GRCh37 (hg19) VCF-style: chr10-81925881-G-A.
Other names: c.817C>T, p.Pro273Ser (NM_001157.3, NM_001278407.2, NM_001278408.2 and 1 more transcripts); c.718C>T, p.Pro240Ser (NM_001278409.2); short protein forms P240S, P273S.
Identifiers: ClinVar variation 1971351 (VCV001971351.5), dbSNP rs775955508, ClinGen allele CA5576113.

ClinVar aggregate classification (germline): Uncertain significance (1 of 4 stars; one submission).

Allele frequency attached by ClinVar (database versions not stated): gnomAD exomes below 0.00001; ExAC 0.00001.
gnomAD v4.1: 3 of 1,612,908 alleles (0.00019%); highest among the groups gnomAD compares: East Asian, 0.0022%; no homozygotes.

Submission:

Labcorp Genetics (formerly Invitae), Labcorp
Classification: Uncertain significance. Last evaluated: 2025-07-31. Review status: criteria provided, single submitter. Criteria: Invitae Variant Classification Sherloc (09022015). Collection method: clinical testing. Allele origin: germline.
Comment: This sequence change replaces proline, which is neutral and non-polar, with serine, which is neutral and polar, at codon 273 of the ANXA11 protein (p.Pro273Ser). This variant is present in population databases (rs775955508, gnomAD no frequency). This variant has not been reported in the literature in individuals affected with ANXA11-related conditions. ClinVar contains an entry for this variant (Variation ID: 1971351). An algorithm developed to predict the effect of missense changes on protein structure and function (PolyPhen-2) suggests that this variant is likely to be disruptive. In summary, the available evidence is currently insufficient to determine the role of this variant in disease. Therefore, it has been classified as a Variant of Uncertain Significance.